The following is an entry in ClinVar:

ClinVar aggregate classification (germline): Uncertain significance (1 of 4 stars; one submission).

Submission:

GeneDx
Classification: Uncertain significance. Last evaluated: 2024-10-21. Review status: criteria provided, single submitter. Criteria: GeneDx Variant Classification Process June 2021. Collection method: clinical testing. Allele origin: germline. Affected: yes.
Comment: Not observed at significant frequency in large population cohorts (gnomAD); In silico analysis indicates that this missense variant does not alter protein structure/function; Has not been previously published as pathogenic or benign to our knowledge

NM_000052.7(ATP7A):c.775C>A (p.Pro259Thr)

Gene: ATP7A (ATPase copper transporting alpha; plus strand). Cytogenetic location: Xq21.1.
Variant type: single nucleotide variant.
Coding change: c.775C>A on transcript NM_000052.7 (MANE Select); coding-DNA position 775, C replaced by A.
Protein change: p.Pro259Thr; replaces proline 259 with threonine.
Molecular consequence: missense variant.
Genome position (GRCh38, 1-based): chrX:77,989,397, C>A. VCF-style: chrX-77989397-C-A. GRCh37 (hg19) VCF-style: chrX-77244893-C-A.
Other names: c.775C>A, p.Pro259Thr (NM_001282224.2); short protein forms P259T.
Identifiers: ClinVar variation 3893486 (VCV003893486.1).